The following is an entry in ClinVar:

ClinVar aggregate classification (germline): Uncertain significance. Review status: criteria provided, multiple submitters, no conflicts (2 of 4 stars). 3 submissions from 3 submitters: Uncertain significance (3). Last evaluated 2026-01-15.

Conditions:
Tumor predisposition syndrome 3 (TPDS3). Also called: Melanoma, cutaneous malignant, susceptibility to, 10; Glioma susceptibility 9; LONG TELOMERE SYNDROME, POT1-RELATED; POT1 Tumor Predisposition. Identifiers: Orphanet 618, MedGen C4014476, MONDO:0014368, OMIM 615848.
Hereditary cancer-predisposing syndrome. Also called: Tumor predisposition; Hereditary Cancer Syndrome; Hereditary neoplastic syndrome; Neoplastic Syndromes, Hereditary. Identifiers: Orphanet 140162, MedGen C0027672, MeSH D009386, MONDO:0015356.

Submissions (3):

Ambry Genetics
Classification: Uncertain significance for Hereditary cancer-predisposing syndrome. Last evaluated: 2026-01-15. Review status: criteria provided, single submitter. Criteria: Ambry Variant Classification Scheme 2023. Collection method: clinical testing. Allele origin: germline.
Comment: The p.G268D variant (also known as c.803G>A), located in coding exon 6 of the POT1 gene, results from a G to A substitution at nucleotide position 803. The glycine at codon 268 is replaced by aspartic acid, an amino acid with similar properties. This amino acid position is highly conserved in available vertebrate species. In addition, this alteration is predicted to be deleterious by in silico analysis. Based on the available evidence, the clinical significance of this variant remains unclear.

Labcorp Genetics (formerly Invitae), Labcorp
Classification: Uncertain significance for Tumor predisposition syndrome 3. Last evaluated: 2025-06-11. Review status: criteria provided, single submitter. Criteria: Invitae Variant Classification Sherloc (09022015). Collection method: clinical testing. Allele origin: germline.
Comment: This sequence change replaces glycine, which is neutral and non-polar, with aspartic acid, which is acidic and polar, at codon 268 of the POT1 protein (p.Gly268Asp). This variant is not present in population databases (gnomAD no frequency). This variant has not been reported in the literature in individuals affected with POT1-related conditions. ClinVar contains an entry for this variant (Variation ID: 1313769). Invitae Evidence Modeling of protein sequence and biophysical properties (such as structural, functional, and spatial information, amino acid conservation, physicochemical variation, residue mobility, and thermodynamic stability) indicates that this missense variant is not expected to disrupt POT1 protein function with a negative predictive value of 80%. In summary, the available evidence is currently insufficient to determine the role of this variant in disease. Therefore, it has been classified as a Variant of Uncertain Significance.

GeneDx
Classification: Uncertain significance. Last evaluated: 2020-12-23. Review status: criteria provided, single submitter. Criteria: GeneDx Variant Classification Process June 2021. Collection method: clinical testing. Allele origin: germline. Affected: yes.
Comment: Not observed in large population cohorts (Lek 2016); In silico analysis supports that this missense variant has a deleterious effect on protein structure/function; Has not been previously published as pathogenic or benign to our knowledge

NM_015450.3(POT1):c.803G>A (p.Gly268Asp)

Gene: POT1 (protection of telomeres 1; minus strand). Cytogenetic location: 7q31.33.
Variant type: single nucleotide variant.
Coding change: c.803G>A on transcript NM_015450.3 (MANE Select); coding-DNA position 803, G replaced by A.
Protein change: p.Gly268Asp; replaces glycine 268 with aspartic acid.
Molecular consequence: missense variant. On other transcripts: non-coding transcript variant (3).
Genome position (GRCh38, 1-based): chr7:124,853,038, C>T on the plus strand (G>A on the coding strand, the complement: POT1 is on the minus strand). VCF-style: chr7-124853038-C-T. GRCh37 (hg19) VCF-style: chr7-124493092-C-T.
Other names: c.410G>A, p.Gly137Asp (NM_001042594.2); short protein forms G137D, G268D.
Identifiers: ClinVar variation 1313769 (VCV001313769.4), dbSNP rs2116504751, ClinGen allele CA369055389.
Genomic context (GRCh38, chr7:124,853,038, plus strand): 5'-AGTTGATCCACATCAGAGTTACTTTCTGGCAAGACCCTGATTCCCCGACCGTAACTGGTA[C>T]CTCCATGAAGATGAAACTCTAAACTTAACATTGTCTGATTCTCTGAATTCATTGATTGAA-3'
Protein context (NP_056265.2, residues 258-278): MLSLEFHLHG[Gly268Asp]TSYGRGIRVL